The following is an entry in ClinVar:

NM_145290.4(ADGRA3):c.3167C>T (p.Ala1056Val)

Gene: ADGRA3 (adhesion G protein-coupled receptor A3; minus strand). Cytogenetic location: 4p15.2.
Variant type: single nucleotide variant.
Coding change: c.3167C>T on transcript NM_145290.4 (MANE Select); coding-DNA position 3167, C replaced by T.
Protein change: p.Ala1056Val; replaces alanine 1056 with valine.
Molecular consequence: missense variant.
Genome position (GRCh38, 1-based): chr4:22,388,504, G>A on the plus strand (C>T on the coding strand, the complement: ADGRA3 is on the minus strand). VCF-style: chr4-22388504-G-A. GRCh37 (hg19) VCF-style: chr4-22390127-G-A.
Other names: short protein forms A1056V.
Identifiers: ClinVar variation 968897 (VCV000968897.8), dbSNP rs200161840, ClinGen allele CA2873435.

ClinVar aggregate classification (germline): Uncertain significance (1 of 4 stars; one submission).

Allele frequency attached by ClinVar (database versions not stated): gnomAD 0.00006; TOPMed 0.00006; ESP Exome Variant Server 0.00008; ExAC 0.00009.

Submission:

Labcorp Genetics (formerly Invitae), Labcorp
Classification: Uncertain significance. Last evaluated: 2025-03-31. Review status: criteria provided, single submitter. Criteria: Invitae Variant Classification Sherloc (09022015). Collection method: clinical testing. Allele origin: germline.
Comment: This sequence change replaces alanine, which is neutral and non-polar, with valine, which is neutral and non-polar, at codon 1056 of the ADGRA3 protein (p.Ala1056Val). This variant is present in population databases (rs200161840, gnomAD 0.03%). This variant has not been reported in the literature in individuals affected with ADGRA3-related conditions. ClinVar contains an entry for this variant (Variation ID: 968897). An algorithm developed to predict the effect of missense changes on protein structure and function (PolyPhen-2) suggests that this variant is likely to be tolerated. In summary, the available evidence is currently insufficient to determine the role of this variant in disease. Therefore, it has been classified as a Variant of Uncertain Significance.